The following is an entry in ClinVar:

ClinVar aggregate classification (germline): Uncertain significance. Review status: criteria provided, multiple submitters, no conflicts (2 of 4 stars). 2 submissions from 2 submitters: Uncertain significance (2). Last evaluated 2025-08-08.

Allele frequency attached by ClinVar (database versions not stated): gnomAD exomes below 0.00001; ExAC 0.00001; gnomAD 0.00005; TOPMed 0.00007.

Submissions (2):

Ambry Genetics
Classification: Uncertain significance. Last evaluated: 2025-08-08. Review status: criteria provided, single submitter. Criteria: Ambry Variant Classification Scheme 2023. Collection method: clinical testing. Allele origin: germline.

Labcorp Genetics (formerly Invitae), Labcorp
Classification: Uncertain significance. Last evaluated: 2024-11-04. Review status: criteria provided, single submitter. Criteria: Invitae Variant Classification Sherloc (09022015). Collection method: clinical testing. Allele origin: germline.
Comment: This sequence change replaces tryptophan, which is neutral and slightly polar, with arginine, which is basic and polar, at codon 30 of the KLF10 protein (p.Trp30Arg). This variant is present in population databases (rs768294650, gnomAD 0.0009%). This variant has not been reported in the literature in individuals affected with KLF10-related conditions. ClinVar contains an entry for this variant (Variation ID: 2728026). An algorithm developed to predict the effect of missense changes on protein structure and function (PolyPhen-2) suggests that this variant is likely to be tolerated. In summary, the available evidence is currently insufficient to determine the role of this variant in disease. Therefore, it has been classified as a Variant of Uncertain Significance.

NM_005655.4(KLF10):c.88T>C (p.Trp30Arg)

Gene: KLF10 (KLF transcription factor 10; minus strand). Cytogenetic location: 8q22.3.
Variant type: single nucleotide variant.
Coding change: c.88T>C on transcript NM_005655.4 (MANE Select); coding-DNA position 88, T replaced by C.
Protein change: p.Trp30Arg; replaces tryptophan 30 with arginine.
Molecular consequence: missense variant. On other transcripts: non-coding transcript variant (2).
Genome position (GRCh38, 1-based): chr8:102,652,346, A>G on the plus strand (T>C on the coding strand, the complement: KLF10 is on the minus strand). VCF-style: chr8-102652346-A-G. GRCh37 (hg19) VCF-style: chr8-103664574-A-G.
Other names: c.55T>C, p.Trp19Arg (NM_001032282.4); c.88T>C (NM_005655.2); short protein forms W30R, W19R.
Identifiers: ClinVar variation 2728026 (VCV002728026.4), dbSNP rs768294650, ClinGen allele CA4833691.